The following is an entry in ClinVar:

ClinVar aggregate classification (germline): Likely benign. Review status: criteria provided, multiple submitters, no conflicts (2 of 4 stars). 3 submissions from 3 submitters: Likely benign (3). Last evaluated 2025-06-26.

Conditions:
VCAN-related disorder. Also called: VCAN-related condition.

Allele frequency attached by ClinVar (database versions not stated): gnomAD exomes 0.00002 and 0.00006; ExAC 0.00008; ESP Exome Variant Server 0.00008; gnomAD 0.00022 and 0.00024; TOPMed 0.00022.
gnomAD v4.1: 60 of 1,613,808 alleles (0.0037%); highest among the groups gnomAD compares: African/African-American, 0.072%; no homozygotes.

Submissions (3):

PreventionGenetics, part of Exact Sciences
Classification: Likely benign for VCAN-related condition. Last evaluated: 2025-06-26. Review status: criteria provided, single submitter. Criteria: ACMG Guidelines, 2015. Collection method: clinical testing. Allele origin: germline.
Comment: This variant is classified as likely benign based on ACMG/AMP sequence variant interpretation guidelines (Richards et al. 2015 PMID: 25741868, with internal and published modifications).

Labcorp Genetics (formerly Invitae), Labcorp
Classification: Likely benign. Last evaluated: 2024-12-25. Review status: criteria provided, single submitter. Criteria: Invitae Variant Classification Sherloc (09022015). Collection method: clinical testing. Allele origin: germline.

Blueprint Genetics
Classification: Likely benign. Last evaluated: 2022-11-30. Review status: criteria provided, single submitter. Criteria: ACMG Guidelines, 2015. Collection method: clinical testing. Allele origin: germline.

NM_004385.5(VCAN):c.3326T>C (p.Val1109Ala)

Gene: VCAN (versican; plus strand). Cytogenetic location: 5q14.3.
Variant type: single nucleotide variant.
Coding change: c.3326T>C on transcript NM_004385.5 (MANE Select); coding-DNA position 3326, T replaced by C.
Protein change: p.Val1109Ala; replaces valine 1109 with alanine.
Molecular consequence: missense variant. On other transcripts: intron variant (2).
Genome position (GRCh38, 1-based): chr5:83,521,632, T>C. VCF-style: chr5-83521632-T-C. GRCh37 (hg19) VCF-style: chr5-82817451-T-C.
Other names: c.3326T>C (NM_004385.4); c.3326T>C, p.Val1109Ala (NM_001164098.2); c.1042+9236T>C (NM_001164097.2, NM_001126336.3); short protein forms V1109A.
Identifiers: ClinVar variation 1133594 (VCV001133594.11), dbSNP rs377631685, ClinGen allele CA3332992.